The following is an entry in ClinVar:

ClinVar aggregate classification (germline): Pathogenic. Review status: reviewed by expert panel (3 of 4 stars). 37 submissions from 35 submitters: Pathogenic (1). 36 of the submissions do not count toward it. Last evaluated 2025-01-03.

Conditions:
Autosomal recessive IDUA-related disorders.
IDUA-related disorder. Also called: IDUA-related condition.
IDUA-related disorders.
Mucopolysaccharidosis type 1. Also called: Mucopolysaccharidosis Type I; IDUA deficiency; MPS I. Identifiers: Orphanet 579, MedGen C0023786, MONDO:0001586.
Hurler syndrome. Also called: MUCOPOLYSACCHARIDOSIS TYPE IH; Gargoylism, Hurler Syndrome; Severe MPS I (Hurler Syndrome). Identifiers: Orphanet 93473, MedGen C0086795, MONDO:0011758, OMIM 607014.
Inborn genetic diseases. Identifiers: MedGen C0950123, MeSH D030342.
Mucopolysaccharidosis, MPS-I-S. Also called: MUCOPOLYSACCHARIDOSIS TYPE IS; Scheie Syndrome; MPS V; MUCOPOLYSACCHARIDOSIS TYPE V. Identifiers: Orphanet 93474, MedGen C0026708, MONDO:0011760, OMIM 607016.
Mucopolysaccharidosis, MPS-I-H/S. Also called: Mucopolysaccharidosis type IH/S. Identifiers: Orphanet 93476, MedGen C0086431, MONDO:0011759, OMIM 607015.

Allele frequency attached by ClinVar (database versions not stated): 1000 Genomes Project 0.00040; gnomAD 0.00086 and 0.00087; gnomAD exomes 0.00130 and 0.00059; ExAC below 0.00001; 1000 Genomes Project 30x 0.00062; TOPMed 0.00083.
gnomAD v4.1: 1,880 of 1,485,790 alleles (0.13%); highest among the groups gnomAD compares: Non-Finnish European, 0.16%; no homozygotes.

Submissions 1 to 8 of 37:

ClinGen Lysosomal Storage Disorder Variant Curation Expert Panel
Classification: Pathogenic for Mucopolysaccharidosis type 1. Last evaluated: 2025-01-03. Review status: reviewed by expert panel. Criteria: ClinGen LSD ACMG Specifications IDUA V1.0.0. Collection method: curation. Allele origin: germline. Inheritance: Autosomal recessive inheritance.
Comment: The NM_000203.5:c.1205G>A (p.Trp402Ter) variant in IDUA is a nonsense variant predicted to cause a premature stop codon in biologically-relevant-exon 9 out of a total of 14 exons, leading to nonsense mediated decay in a gene in which loss-of-function is an established disease mechanism. Complete loss of IDUA activity was confirmed when the variant was transiently expressed in COS-7 cells (PMID: 11735025) (PVS1). This is the most common variant to be identified in patients with mucopolysaccharidosis type 1 (MPS1) in the United States (45% of alleles), Mexico (29%), Colombia (50%), Brazil (29%), the United Kingdom (45%), the Netherlands (42%), Germany (50%), the Czech Republic and Slovakia (33%), Spain (62%) and Australia (34%) (reviewed in PMID: 29393969). At least 38 homozygotes (PMID: 1301196, 28752568) (max PM3 points = 2 x 0.5 = 1 point for homozygotes), and at least 73 individuals who are compound heterozygous for the variant and a second variant in IDUA, including another well-known pathogenic variant, p.Gln70Ter, have been reported (PMID: 1301941, 11735025, 28752568, 30809705). The allelic evidence from these compound heterozygous patients will be used to support the classification of the other variant and is not included here to avoid circular logic (PM3 based on evidence from homozygotes). Patients are reported with detailed clinical features of MPS I or elevated urine GAGs in addition to documentation of laboratory values showing deficient IDUA activity (PMID: 1301941, 11735025, 30809705) (PP4). A knock in mouse, homozygous for a variant analogous to p.Trp402Ter (mouse Idua Trp392Ter) was reported to have a phenotype that closely correlates with features in humans patients with MPS1 (PMID: 19751987). The highest population minor allele frequency in gnomAD v4.1.0 is 0.001555 (1749/1124730 alleles) in the European non-Finnish population, which is higher than the ClinGen Lysosomal Diseases VCEP’s threshold for PM2_Supporting (<0.00025) and lower than the threshold for BS1 (>0.0025). Therefore, no population codes are met. Additional data is available in the literature but the classification of pathogenic has already been reached. There is a ClinVar entry for this variant (Variation ID: 11908). In summary, this variant is the most frequently reported variant in individuals with MPS1 and meets the criteria to be classified as pathogenic for this disorder. IDUA-specific ACMG/AMP criteria met, as specified by the ClinGen Lysosomal Diseases VCEP (Specifications Version 1.0.0): PVS1, PM3, PP4. (Classification approved by the ClinGen Lysosomal Diseases Variant Curation Expert Panel on January 3, 2025)

CeGaT Center for Human Genetics Tuebingen
Classification: Pathogenic. Last evaluated: 2026-06-01. Review status: criteria provided, single submitter. Criteria: CeGaT Center For Human Genetics Tuebingen Variant Classification Criteria Version 2. Collection method: clinical testing. Allele origin: germline. Affected: yes. Observed: 6 variant alleles. Not counted in ClinVar's aggregate classification.
Comment: IDUA: PM3:Very Strong, PVS1, PM2, PP4

PreventionGenetics, part of Exact Sciences
Classification: Pathogenic for IDUA-related condition. Last evaluated: 2026-05-12. Review status: criteria provided, single submitter. Criteria: ACMG Guidelines, 2015. Collection method: clinical testing. Allele origin: germline. Not counted in ClinVar's aggregate classification.
Comment: The IDUA c.1205G>A variant is predicted to result in premature protein termination (p.Trp402*). This variant has been repeatedly reported to be pathogenic for mucopolysaccharidosis type I (Scott et al. 1992. PubMed ID: 1301196; Pollard et al. 2013. PubMed ID: 22976768; Ahmed et al. 2014. PubMed ID: 24368159; Bush et al. 2019. PubMed ID: PMID: 29654546; Cospain et al. 2020. PubMed ID: 32670797). This variant is reported in 0.14% of alleles in individuals of European (Non-Finnish) descent in gnomAD. Nonsense variants in IDUA gene are expected to be pathogenic. In summary, we classify this variant as pathogenic.

Victorian Clinical Genetics Services, Murdoch Childrens Research Institute
Classification: Pathogenic for Mucopolysaccharidosis type 1. Last evaluated: 2026-03-26. Review status: criteria provided, single submitter. Criteria: ACMG Guidelines, 2015. Collection method: clinical testing. Allele origin: germline. Not counted in ClinVar's aggregate classification.
Comment: This variant is classified as Pathogenic. Evidence in support of pathogenic classification: Variant is predicted to cause nonsense-mediated decay (NMD) and loss of protein (premature termination codon is located at least 54 nucleotides upstream of the final exon-exon junction); Variant is present in gnomAD <0.01 for a recessive condition (v4: 1880 heterozygote(s), 0 homozygote(s)); This variant has very strong previous evidence of pathogenicity in unrelated individuals. This variant has been reported pathogenic by an expert panel in ClinVar, and is commonly reported to be associated with severe Mucopolysaccharidosis type I (MPS I), also referred to as Hurler syndrome (PMID: 20301341). Additional information: This variant is homozygous; This gene is associated with autosomal recessive disease; Loss of function is a known mechanism of disease in this gene and is associated with mucopolysaccharidosis Is (MIM#607016), mucopolysaccharidosis Ih/s (MIM#607015), and mucopolysaccharidosis Ih (MIM#607014).

Genetics Laboratory, Great Ormond Street Hospital NHS Foundation Trust, North Thames Genomic Laboratory Hub
Classification: Pathogenic for Mucopolysaccharidosis type IH/S. Last evaluated: 2026-02-26. Review status: criteria provided, single submitter. Criteria: ACGS Best Practice Guidelines for Variant Classification in Rare Disease 2024 v1.2. Collection method: clinical testing. Allele origin: germline. Affected: yes. Not counted in ClinVar's aggregate classification.
Comment: PM2_moderate, PVS1_very-strong, PM3_very-strong, PP4_strong

Labcorp Genetics (formerly Invitae), Labcorp
Classification: Pathogenic for Mucopolysaccharidosis type 1. Last evaluated: 2026-01-26. Review status: criteria provided, single submitter. Criteria: Invitae Variant Classification Sherloc (09022015). Collection method: clinical testing. Allele origin: germline. Not counted in ClinVar's aggregate classification.
Comment: This sequence change creates a premature translational stop signal (p.Trp402*) in the IDUA gene. It is expected to result in an absent or disrupted protein product. Loss-of-function variants in IDUA are known to be pathogenic (PMID: 11735025, 21480867). This variant is present in population databases (rs121965019, gnomAD 0.1%), and has an allele count higher than expected for a pathogenic variant. This premature translational stop signal has been observed in individuals with mucopolysaccharidosis type I (PMID: 1301196, 11735025, 20301341, 21394825, 22976768). ClinVar contains an entry for this variant (Variation ID: 11908). For these reasons, this variant has been classified as Pathogenic.

Dasa
Classification: Pathogenic for Mucopolysaccharidosis type 1. Last evaluated: 2025-12-01. Review status: criteria provided, single submitter. Criteria: DASA Assertion Criteria. Collection method: clinical testing. Allele origin: germline. Not counted in ClinVar's aggregate classification.
Comment: NM_000203.5(IDUA):c.1205G>A (p.Trp402Ter) introduces a premature termination codon predicted to result in loss of normal protein function. Loss-of-function is an established mechanism of disease for this gene. Functional evidence supports a deleterious effect on the gene or gene product (PMID: 1301196; PMID: 11735025; PMID: 20301341; PMID: 21394825; PMID: 22976768). This variant has been recurrently observed in individuals with Mucopolysaccharidosis type 1 (PMID: 1301196; PMID: 11735025; PMID: 20301341; PMID: 21394825; PMID: 22976768). The variant is present at low frequency in population datasets. Based on the available data, this variant is classified as pathogenic.

Natera, Inc.
Classification: Pathogenic for Mucopolysaccharidosis type I. Last evaluated: 2025-11-06. Review status: criteria provided, single submitter. Criteria: Natera Variant Classification Schema (03/2026). Collection method: clinical testing. Allele origin: germline. Not counted in ClinVar's aggregate classification.
Comment: The c.1205G>A variant in IDUA is a nonsense variant predicted to introduce a stop codon at amino acid 402. This variant is expected to result in nonsense mediated decay, truncation, or a dysfunctional protein product. This variant is rare in the general population with a frequency below the threshold expected for the associated phenotype(s). This variant has been observed in one or more individuals affected with the associated recessive disease, as either homozygous or compound heterozygous with a second variant (PMID: 22306676, 1301941). Given the available evidence, this variant is classified as Pathogenic.

NM_000203.5(IDUA):c.1205G>A (p.Trp402Ter)

Gene: IDUA (alpha-L-iduronidase; plus strand). Cytogenetic location: 4p16.3.
Variant type: single nucleotide variant.
Coding change: c.1205G>A on transcript NM_000203.5 (MANE Select); coding-DNA position 1205, G replaced by A.
Protein change: p.Trp402Ter; replaces tryptophan 402 with a stop codon.
Molecular consequence: nonsense. On other transcripts: non-coding transcript variant (1).
Genome position (GRCh38, 1-based): chr4:1,002,747, G>A. VCF-style: chr4-1002747-G-A. GRCh37 (hg19) VCF-style: chr4-996535-G-A.
Other names: NM_000203.5(IDUA):c.1205G>A; c.809G>A, p.Trp270Ter (NM_001363576.1); short protein forms W402*, W270*.
Identifiers: ClinVar variation 11908 (VCV000011908.107), dbSNP rs121965019, ClinGen allele CA220498.